The following is an entry in ClinVar:

Conditions:
Breast-ovarian cancer, familial, susceptibility to, 1 (BROVCA1). Also called: BRCA1 Hereditary Breast and Ovarian Cancer; OVARIAN CANCER, SUSCEPTIBILITY TO. Identifiers: Orphanet 145, MedGen C2676676, MONDO:0011450, OMIM 604370. Disease mechanism: loss of function.

Submission:

Brotman Baty Institute, University of Washington
No classification provided (evidence only). Condition: Breast-ovarian cancer, familial 1. Review status: no classification provided. Collection method: in vitro. Allele origin: not applicable. Functional consequence: functionally_normal.
ClinVar note: "not provided" was previously submitted as the classification for the variant. However, the classification appeared to be based only on an observation of functional data so it was converted to no classification on 2025-07-30.

NM_007294.4(BRCA1):c.81-22T>G

Gene: BRCA1 (BRCA1 DNA repair associated; minus strand). Cytogenetic location: 17q21.31.
Variant type: single nucleotide variant.
Coding change: c.81-22T>G on transcript NM_007294.4 (MANE Select); 22 bases into the intron before coding-DNA position 81, T replaced by G.
Molecular consequence: intron variant.
Genome position (GRCh38, 1-based): chr17:43,115,801, A>C on the plus strand (T>G on the coding strand, the complement: BRCA1 is on the minus strand). VCF-style: chr17-43115801-A-C. GRCh37 (hg19) VCF-style: chr17-41267818-A-C.
Other names: c.-61-22T>G (NM_001408458.1, NM_001408470.1, NM_001407848.1 and 47 more transcripts); c.-219+9476T>G (NM_001407967.1); c.-170+9476T>G (NM_001407959.1); c.-7-9268T>G (NM_001407931.1, NM_001407747.1, NM_001408511.1 and 2 more transcripts); c.-223-22T>G (NM_001407962.1, NM_001408512.1, NM_001408510.1 and 1 more transcripts); c.-108-22T>G (NM_001407885.1, NM_001407886.1, NM_001408509.1 and 52 more transcripts); c.-177-22T>G (NM_001407746.1, NM_001408468.1, NM_001407842.1 and 13 more transcripts); c.-8+8216T>G (NM_001408461.1, NM_001407738.1, NM_001407932.1 and 23 more transcripts); and 10 more.
Identifiers: ClinVar variation 867440 (VCV000867440.3), dbSNP rs2055269563, ClinGen allele CA916081100.